The following is an entry in ClinVar:

NM_007078.3(LDB3):c.2094+94del

Gene: LDB3 (LIM domain binding 3; plus strand). Cytogenetic location: 10q23.2.
Variant type: Deletion.
Coding change: c.2094+94del on transcript NM_007078.3 (MANE Select); 94 bases into the intron after coding-DNA position 2094, one base deleted (T; older notation c.2094+94delT).
Molecular consequence: intron variant.
Genome position (GRCh38, 1-based): chr10:86,726,346, T deleted. VCF-style (leftmost placement, unchanged base first): chr10-86726345-CT-C. GRCh37 (hg19) VCF-style: chr10-88486102-CT-C.
Other names: c.1905+94del (NM_001368064.1, NM_001368065.1); c.2109+94del (NM_001171610.2); c.1953+94del (NM_001368066.1); c.1764+94del (NM_001080114.2).
Identifiers: ClinVar variation 672521 (VCV000672521.4), dbSNP rs34647099, ClinGen allele CA211214080.

ClinVar aggregate classification (germline): Benign. Review status: criteria provided, single submitter (1 of 4 stars). 3 submissions from 3 submitters: Benign (1). 2 of the submissions do not count toward it. Last evaluated 2018-06-16.

Allele frequency attached by ClinVar (database versions not stated): TOPMed 0.21884; gnomAD 0.22482 and 0.23266; gnomAD exomes 0.26996; 1000 Genomes Project 30x 0.27077; 1000 Genomes Project 0.27975.

Submissions (3):

GeneDx
Classification: Benign. Last evaluated: 2018-06-16. Review status: criteria provided, single submitter. Criteria: GeneDx Variant Classification (06012015). Collection method: clinical testing. Allele origin: germline. Affected: yes.
Comment: This variant is considered likely benign or benign based on one or more of the following criteria: it is a conservative change, it occurs at a poorly conserved position in the protein, it is predicted to be benign by multiple in silico algorithms, and/or has population frequency not consistent with disease.

Clinical Genetics DNA and cytogenetics Diagnostics Lab, Erasmus MC, Erasmus Medical Center
Classification: Benign. Review status: no assertion criteria provided. Collection method: clinical testing. Allele origin: germline. Affected: yes. Study: VKGL Data-share Consensus. Not counted in ClinVar's aggregate classification.

Joint Genome Diagnostic Labs from Nijmegen and Maastricht, Radboudumc and MUMC+
Classification: Benign. Review status: no assertion criteria provided. Collection method: clinical testing. Allele origin: germline. Affected: yes. Study: VKGL Data-share Consensus. Not counted in ClinVar's aggregate classification.